The following is an entry in ClinVar:

NM_003072.5(SMARCA4):c.277A>G (p.Met93Val)

Gene: SMARCA4 (SWI/SNF related BAF chromatin remodeling complex subunit ATPase 4; plus strand). Cytogenetic location: 19p13.2.
Variant type: single nucleotide variant.
Coding change: c.277A>G on transcript NM_003072.5 (MANE Select); coding-DNA position 277, A replaced by G.
Protein change: p.Met93Val; replaces methionine 93 with valine.
Molecular consequence: missense variant. On other transcripts: non-coding transcript variant (1).
Genome position (GRCh38, 1-based): chr19:10,985,327, A>G. VCF-style: chr19-10985327-A-G. GRCh37 (hg19) VCF-style: chr19-11096003-A-G.
Other names: c.277A>G, p.Met93Val (NM_001128844.3, NM_001128845.2, NM_001128846.2 and 5 more transcripts); short protein forms M93V.
Identifiers: ClinVar variation 408680 (VCV000408680.18), dbSNP rs777647740, ClinGen allele CA9203449.
Genomic context (GRCh38, chr19:10,985,327, plus strand): 5'-TCGCAGCCCATGGAGTCCATGCATGAGAAGGGCATGTCGGACGACCCGCGCTACAACCAG[A>G]TGAAAGGAATGGGGATGCGGTCAGGGGGCCATGCTGGGATGGGGCCCCCGCCCAGCCCCA-3'
Protein context (NP_003063.2, residues 83-103): GMSDDPRYNQ[Met93Val]KGMGMRSGGH

ClinVar aggregate classification (germline): Conflicting classifications of pathogenicity. Review status: criteria provided, conflicting classifications (1 of 4 stars). 6 submissions from 6 submitters: Uncertain significance (4); Likely benign (1). 1 of the submissions does not count toward it. Last evaluated 2025-05-06.

Conditions:
SMARCA4-related disorder. Also called: SMARCA4-related condition.
Hereditary cancer-predisposing syndrome. Also called: Hereditary Cancer Syndrome; Hereditary neoplastic syndrome; Neoplastic Syndromes, Hereditary; Tumor predisposition. Identifiers: Orphanet 140162, MedGen C0027672, MeSH D009386, MONDO:0015356.
Intellectual disability, autosomal dominant 16 (CSS4). Also called: COFFIN-SIRIS SYNDROME 4. Identifiers: Orphanet 1465, MedGen C3553249, MONDO:0013821, OMIM 614609.
Rhabdoid tumor predisposition syndrome 2 (RTPS2). Identifiers: Orphanet 231108, Orphanet 69077, MedGen C2750074, MONDO:0013224, OMIM 613325.

Allele frequency attached by ClinVar (database versions not stated): gnomAD exomes below 0.00001 and 0.00001; ExAC 0.00001; gnomAD 0.00003 and 0.00004; TOPMed 0.00004.
gnomAD v4.1: 8 of 1,613,864 alleles (0.0005%); highest among the groups gnomAD compares: African/African-American, 0.008%; no homozygotes.

Submissions (6):

Quest Diagnostics Nichols Institute San Juan Capistrano
Classification: Uncertain significance. Last evaluated: 2025-05-06. Review status: criteria provided, single submitter. Criteria: Quest Diagnostics criteria. Collection method: clinical testing. Allele origin: unknown.
Comment: The SMARCA4 c.277A>G (p.Met93Val) variant has been reported in the published literature in an individual with non-small cell lung cancer (PMID: 33144586 (2020)). The frequency of this variant in the general population (Genome Aggregation Database) is uninformative in the assessment of its pathogenicity. Analysis of this variant using bioinformatics tools for the prediction of the effect of amino acid changes on protein structure and function yielded predictions that this variant is benign. Additional analysis using software algorithms for the prediction of the effect of nucleotide changes on SMARCA4 mRNA splicing yielded predictions that this variant may result in the gain of a cryptic splice site without affecting the natural splice sites. Based on the available information, we are unable to determine the clinical significance of this variant.

Labcorp Genetics (formerly Invitae), Labcorp
Classification: Uncertain significance for Rhabdoid tumor predisposition syndrome 2. Last evaluated: 2024-12-22. Review status: criteria provided, single submitter. Criteria: Invitae Variant Classification Sherloc (09022015). Collection method: clinical testing. Allele origin: germline.
Comment: This sequence change replaces methionine, which is neutral and non-polar, with valine, which is neutral and non-polar, at codon 93 of the SMARCA4 protein (p.Met93Val). This variant is present in population databases (rs777647740, gnomAD 0.01%). This variant has not been reported in the literature in individuals affected with SMARCA4-related conditions. ClinVar contains an entry for this variant (Variation ID: 408680). Invitae Evidence Modeling of protein sequence and biophysical properties (such as structural, functional, and spatial information, amino acid conservation, physicochemical variation, residue mobility, and thermodynamic stability) indicates that this missense variant is not expected to disrupt SMARCA4 protein function with a negative predictive value of 80%. RNA analysis performed to evaluate the impact of this missense change on mRNA splicing indicates it does not significantly alter splicing (internal data). In summary, the available evidence is currently insufficient to determine the role of this variant in disease. Therefore, it has been classified as a Variant of Uncertain Significance.

Baylor Genetics
Classification: Uncertain significance for Rhabdoid tumor predisposition syndrome 2. Last evaluated: 2023-09-24. Review status: criteria provided, single submitter. Criteria: ACMG Guidelines, 2015. Collection method: clinical testing. Allele origin: unknown.

Ambry Genetics
Classification: Likely benign for Hereditary cancer-predisposing syndrome. Last evaluated: 2022-11-18. Review status: criteria provided, single submitter. Criteria: Ambry Variant Classification Scheme 2023. Collection method: clinical testing. Allele origin: germline.

Genome-Nilou Lab
Classification: Uncertain significance for Intellectual disability, autosomal dominant 16. Last evaluated: 2021-07-15. Review status: criteria provided, single submitter. Criteria: ACMG Guidelines, 2015. Collection method: clinical testing. Allele origin: germline. Affected: no.

PreventionGenetics, part of Exact Sciences
Classification: Uncertain significance for SMARCA4-related condition. Last evaluated: 2024-05-01. Review status: no assertion criteria provided. Collection method: clinical testing. Allele origin: germline. Not counted in ClinVar's aggregate classification.
Comment: The SMARCA4 c.277A>G variant is predicted to result in the amino acid substitution p.Met93Val. To our knowledge, this variant has not been reported in the literature. This variant is reported in 0.012% of alleles in individuals of African descent in gnomAD. This variant is interpreted as uncertain significance or likely benign in ClinVar. At this time, the clinical significance of this variant is uncertain due to the absence of conclusive functional and genetic evidence.

Literature cited by the submitters: PubMed 33144586 (cited by Quest Diagnostics Nichols Institute San Juan Capistrano).